The following is an entry in ClinVar:

ClinVar aggregate classification (germline): Uncertain significance. Review status: criteria provided, multiple submitters, no conflicts (2 of 4 stars). 2 submissions from 2 submitters: Uncertain significance (2). Last evaluated 2024-10-25.

Allele frequency attached by ClinVar (database versions not stated): gnomAD exomes below 0.00001.
gnomAD v4.1: 1 of 1,614,040 alleles (0.000062%); highest among the groups gnomAD compares: Non-Finnish European, 0.000085%; no homozygotes.

Submissions (2):

Athena Diagnostics
Classification: Uncertain significance. Last evaluated: 2024-10-25. Review status: criteria provided, single submitter. Criteria: Athena Diagnostics Criteria. Collection method: clinical testing. Allele origin: unknown.
Comment: Available data are insufficient to determine the clinical significance of the variant at this time. This variant has not been reported in large, multi-ethnic general populations. Polyphen and MutationTaster predict this amino acid change may be benign.

Dubai Health Genomic Medicine Center, Dubai Health
Classification: Uncertain significance. Last evaluated: 2022-12-17. Review status: criteria provided, single submitter. Criteria: ACMG Guidelines, 2015. Collection method: clinical testing. Allele origin: germline. Affected: yes.

NM_182961.4(SYNE1):c.13861A>G (p.Thr4621Ala)

Gene: SYNE1 (spectrin repeat containing nuclear envelope protein 1; minus strand). Cytogenetic location: 6q25.2.
Variant type: single nucleotide variant.
Coding change: c.13861A>G on transcript NM_182961.4 (MANE Select); coding-DNA position 13861, A replaced by G.
Protein change: p.Thr4621Ala; replaces threonine 4621 with alanine.
Molecular consequence: missense variant.
Genome position (GRCh38, 1-based): chr6:152,330,824, T>C on the plus strand (A>G on the coding strand, the complement: SYNE1 is on the minus strand). VCF-style: chr6-152330824-T-C. GRCh37 (hg19) VCF-style: chr6-152651959-T-C.
Other names: c.13648A>G, p.Thr4550Ala (NM_033071.5); c.13861A>G (NM_182961.2); short protein forms T4550A, T4621A.
Identifiers: ClinVar variation 1809649 (VCV001809649.3), dbSNP rs2485178665, ClinGen allele CA366099581.